The following is an entry in ClinVar:

NM_001330288.2(SMARCC2):c.1864-1G>C

Gene: SMARCC2 (SWI/SNF related BAF chromatin remodeling complex subunit C2; minus strand). Cytogenetic location: 12q13.2.
Variant type: single nucleotide variant.
Coding change: c.1864-1G>C on transcript NM_001330288.2 (MANE Select); the canonical splice acceptor site of the intron before coding-DNA position 1864, G replaced by C.
Molecular consequence: splice acceptor variant.
Genome position (GRCh38, 1-based): chr12:56,172,491, C>G on the plus strand (G>C on the coding strand, the complement: SMARCC2 is on the minus strand). VCF-style: chr12-56172491-C-G. GRCh37 (hg19) VCF-style: chr12-56566275-C-G.
Other names: c.1771-1G>C (NM_003075.5); c.1864-1G>C (NM_139067.4, NM_001130420.3).
Identifiers: ClinVar variation 3342025 (VCV003342025.16).

ClinVar aggregate classification (germline): Likely pathogenic (1 of 4 stars; one submission).

Submission:

CeGaT Center for Human Genetics Tuebingen
Classification: Likely pathogenic. Last evaluated: 2024-08-01. Review status: criteria provided, single submitter. Criteria: CeGaT Center For Human Genetics Tuebingen Variant Classification Criteria Version 2. Collection method: clinical testing. Allele origin: germline. Affected: yes. Observed: 2 variant alleles.
Comment: SMARCC2: PVS1:Strong, PM2